The following is an entry in ClinVar:

NM_033004.4(NLRP1):c.791G>A (p.Cys264Tyr)

Gene: NLRP1 (NLR family pyrin domain containing 1; minus strand). Cytogenetic location: 17p13.2.
Variant type: single nucleotide variant.
Coding change: c.791G>A on transcript NM_033004.4 (MANE Select); coding-DNA position 791, G replaced by A.
Protein change: p.Cys264Tyr; replaces cysteine 264 with tyrosine.
Molecular consequence: missense variant.
Genome position (GRCh38, 1-based): chr17:5,559,905, C>T on the plus strand (G>A on the coding strand, the complement: NLRP1 is on the minus strand). VCF-style: chr17-5559905-C-T. GRCh37 (hg19) VCF-style: chr17-5463225-C-T.
Other names: c.791G>A, p.Cys264Tyr (NM_001033053.3, NM_014922.5, NM_033006.4 and 1 more transcripts); short protein forms C264Y.
Identifiers: ClinVar variation 1348039 (VCV001348039.6), dbSNP rs1190644649, ClinGen allele CA397388023.
Genomic context (GRCh38, chr17:5,559,905, plus strand): 5'-AGAAGTAGCAGCTGTGTGAATTTTTGGTTAAAATCCTCATTTTTCCAGGGCCATGTGGAA[C>T]AGAGGCTCTCTCTCACAGAAGGCTCCCATGGGTGGTGGTGGGGCTGTAGGCTGGTGTGCG-3'
Protein context (NP_127497.1, residues 254-274): PWEPSVRESL[Cys264Tyr]STWPWKNEDF

ClinVar aggregate classification (germline): Uncertain significance (1 of 4 stars; one submission).

Submission:

Labcorp Genetics (formerly Invitae), Labcorp
Classification: Uncertain significance. Last evaluated: 2021-10-29. Review status: criteria provided, single submitter. Criteria: Invitae Variant Classification Sherloc (09022015). Collection method: clinical testing. Allele origin: germline.
Comment: In summary, the available evidence is currently insufficient to determine the role of this variant in disease. Therefore, it has been classified as a Variant of Uncertain Significance. Algorithms developed to predict the effect of missense changes on protein structure and function output the following: SIFT: "Tolerated"; PolyPhen-2: "Benign"; Align-GVGD: "Class C0". The tyrosine amino acid residue is found in multiple mammalian species, which suggests that this missense change does not adversely affect protein function. This variant has not been reported in the literature in individuals affected with NLRP1-related conditions. This variant is not present in population databases (gnomAD no frequency). This sequence change replaces cysteine, which is neutral and slightly polar, with tyrosine, which is neutral and polar, at codon 264 of the NLRP1 protein (p.Cys264Tyr).